The following is an entry in ClinVar:

ClinVar aggregate classification (germline): Uncertain significance (1 of 4 stars; one submission).

Conditions:
Progressive myoclonic epilepsy. Also called: Myoclonus epilepsy; Familial progressive myoclonic epilepsy; Myoclonic Epilepsies, Progressive; Progressive myoclonus epilepsy. Identifiers: Orphanet 308, Orphanet 98261, MedGen C0751778, MONDO:0020074.

Allele frequency attached by ClinVar (database versions not stated): TOPMed below 0.00001.

Submission:

Labcorp Genetics (formerly Invitae), Labcorp
Classification: Uncertain significance for Progressive myoclonic epilepsy. Last evaluated: 2022-08-09. Review status: criteria provided, single submitter. Criteria: Invitae Variant Classification Sherloc (09022015). Collection method: clinical testing. Allele origin: germline.
Comment: In summary, the available evidence is currently insufficient to determine the role of this variant in disease. Therefore, it has been classified as a Variant of Uncertain Significance. Algorithms developed to predict the effect of missense changes on protein structure and function (SIFT, PolyPhen-2, Align-GVGD) all suggest that this variant is likely to be tolerated. This variant has not been reported in the literature in individuals affected with EPM2A-related conditions. This variant is not present in population databases (gnomAD no frequency). This sequence change replaces glycine, which is neutral and non-polar, with serine, which is neutral and polar, at codon 44 of the EPM2A protein (p.Gly44Ser).

NM_005670.4(EPM2A):c.130G>A (p.Gly44Ser)

Genes: EPM2A (EPM2A glucan phosphatase, laforin; minus strand), EPM2A-DT (EPM2A divergent transcript; plus strand), LOC129997381 (ATAC-STARR-seq lymphoblastoid silent region 17642; plus strand). Cytogenetic location: 6q24.3.
Variant type: single nucleotide variant.
Coding change: c.130G>A on transcript NM_005670.4 (MANE Select); coding-DNA position 130, G replaced by A.
Protein change: p.Gly44Ser; replaces glycine 44 with serine.
Molecular consequence: missense variant. On other transcripts: 5 prime UTR variant (3), intron variant (1).
Genome position (GRCh38, 1-based): chr6:145,735,369, C>T on the plus strand (G>A on the coding strand, the complement: EPM2A is on the minus strand). VCF-style: chr6-145735369-C-T. GRCh37 (hg19) VCF-style: chr6-146056505-C-T.
Other names: c.130G>A, p.Gly44Ser (NM_001018041.2, NM_001360057.2, NM_001368130.1); c.-540G>A (NM_001360071.2); c.-494G>A (NM_001368129.2); c.-238G>A (NM_001368131.1); c.-114+539G>A (NM_001360064.2); short protein forms G44S.
Identifiers: ClinVar variation 1715937 (VCV001715937.6), dbSNP rs1349910578, ClinGen allele CA366188277.
Genomic context (GRCh38, chr6:145,735,369, plus strand): 5'-CCTCCCCGAGCCACAGGCCCGGCTCCTGCAGGGCCAGGGCCCCGTCGCCCGCCGCGGTGC[C>T]GGCCGGCCTCAGGCGGACGGCACCGCGCGGCTCCCAACGCCCCAGCTCGGGCCGCGACCC-3'
Protein context (NP_005661.1, residues 34-54): PRGAVRLRPA[Gly44Ser]TAAGDGALAL